The following is an entry in ClinVar:

NM_198282.4(STING1):c.689G>C (p.Gly230Ala)

Gene: STING1 (stimulator of interferon response cGAMP interactor 1; minus strand). Cytogenetic location: 5q31.2.
Variant type: single nucleotide variant.
Coding change: c.689G>C on transcript NM_198282.4 (MANE Select); coding-DNA position 689, G replaced by C.
Protein change: p.Gly230Ala; replaces glycine 230 with alanine.
Molecular consequence: missense variant.
Genome position (GRCh38, 1-based): chr5:139,478,340, C>G on the plus strand (G>C on the coding strand, the complement: STING1 is on the minus strand). VCF-style: chr5-139478340-C-G. GRCh37 (hg19) VCF-style: chr5-138857925-C-G.
Other names: p.Gly230Ala; c.689G>C, p.Gly230Ala (NM_001301738.2); c.332G>C, p.Gly111Ala (NM_001367258.1); short protein forms G111A, G230A.
Identifiers: ClinVar variation 1166568 (VCV001166568.15), dbSNP rs78233829, ClinGen allele CA3435344.

ClinVar aggregate classification (germline): Benign/Likely benign. Review status: criteria provided, multiple submitters, no conflicts (2 of 4 stars). 6 submissions from 6 submitters: Benign (5); Likely benign (1). Last evaluated 2026-02-04.

Conditions:
STING-associated vasculopathy with onset in infancy. Also called: Sting-associated vasculopathy, infantile-onset. Identifiers: Orphanet 425120, MedGen C4014722, MONDO:0014405, OMIM 615934.

Allele frequency attached by ClinVar (database versions not stated): gnomAD exomes 0.15758 and 0.21164; ESP Exome Variant Server 0.17407; gnomAD 0.19311 and 0.19776; ExAC 0.20313; TOPMed 0.21013; 1000 Genomes Project 30x 0.26202; 1000 Genomes Project 0.26797.
gnomAD v4.1: 261,373 of 1,613,770 alleles (16%); highest among the groups gnomAD compares: East Asian, 43%; 25,333 homozygotes.

Submissions (6):

Labcorp Genetics (formerly Invitae), Labcorp
Classification: Benign for STING-associated vasculopathy with onset in infancy. Last evaluated: 2026-02-04. Review status: criteria provided, single submitter. Criteria: Invitae Variant Classification Sherloc (09022015). Collection method: clinical testing. Allele origin: germline.

Women's Health and Genetics/Laboratory Corporation of America, LabCorp
Classification: Likely benign. Last evaluated: 2026-01-21. Review status: criteria provided, single submitter. Criteria: LabCorp Variant Classification Summary - May 2015. Collection method: clinical testing. Allele origin: germline.

Blueprint Genetics
Classification: Benign. Last evaluated: 2024-11-26. Review status: criteria provided, single submitter. Criteria: ACMG Guidelines, 2015. Collection method: clinical testing. Allele origin: germline.

Unidad de Genómica Garrahan, Hospital de Pediatría Garrahan
Classification: Benign. Last evaluated: 2023-11-12. Review status: criteria provided, single submitter. Criteria: ACMG Guidelines, 2015. Collection method: clinical testing. Allele origin: germline. Affected: no. Observed: 46 variant alleles.
Comment: This variant is classified as Benign based on local population frequency. This variant was detected in 48% of patients studied by a panel of primary immunodeficiencies. Number of patients: 46. Only high quality variants are reported.

Mayo Clinic Laboratories, Mayo Clinic
Classification: Benign. Last evaluated: 2023-08-15. Review status: criteria provided, single submitter. Criteria: ACMG Guidelines, 2015. Collection method: clinical testing. Allele origin: germline. Observed: 156 variant alleles.
Comment: BA1

GeneDx
Classification: Benign. Last evaluated: 2021-05-05. Review status: criteria provided, single submitter. Criteria: GeneDx Variant Classification Process June 2021. Collection method: clinical testing. Allele origin: germline. Affected: yes.
Comment: This variant is associated with the following publications: (PMID: 27927967, 24204993, 29632140)